The following is an entry in ClinVar:

NM_003738.5(PTCH2):c.2923A>T (p.Thr975Ser)

Gene: PTCH2 (patched 2; minus strand). Cytogenetic location: 1p34.1.
Variant type: single nucleotide variant.
Coding change: c.2923A>T on transcript NM_003738.5 (MANE Select); coding-DNA position 2923, A replaced by T.
Protein change: p.Thr975Ser; replaces threonine 975 with serine.
Molecular consequence: missense variant.
Genome position (GRCh38, 1-based): chr1:44,826,541, T>A on the plus strand (A>T on the coding strand, the complement: PTCH2 is on the minus strand). VCF-style: chr1-44826541-T-A. GRCh37 (hg19) VCF-style: chr1-45292213-T-A.
Other names: c.2923A>T, p.Thr975Ser (NM_001166292.2); short protein forms T975S.
Identifiers: ClinVar variation 1398678 (VCV001398678.6), dbSNP rs1166283414, ClinGen allele CA340109017.

ClinVar aggregate classification (germline): Uncertain significance (1 of 4 stars; one submission).

Conditions:
Gorlin syndrome. Also called: Nevoid Basal Cell Carcinoma Syndrome; Basal cell nevus syndrome. Identifiers: Orphanet 377, MedGen C0004779, MONDO:0007187.

Allele frequency attached by ClinVar (database versions not stated): gnomAD 0.00001; TOPMed 0.00001.

Submission:

Labcorp Genetics (formerly Invitae), Labcorp
Classification: Uncertain significance for Gorlin syndrome. Last evaluated: 2023-06-22. Review status: criteria provided, single submitter. Criteria: Invitae Variant Classification Sherloc (09022015). Collection method: clinical testing. Allele origin: germline.
Comment: This sequence change replaces threonine, which is neutral and polar, with serine, which is neutral and polar, at codon 975 of the PTCH2 protein (p.Thr975Ser). The frequency data for this variant in the population databases is considered unreliable, as metrics indicate poor data quality at this position in the gnomAD database. This variant has not been reported in the literature in individuals affected with PTCH2-related conditions. ClinVar contains an entry for this variant (Variation ID: 1398678). Advanced modeling of protein sequence and biophysical properties (such as structural, functional, and spatial information, amino acid conservation, physicochemical variation, residue mobility, and thermodynamic stability) performed at Invitae indicates that this missense variant is not expected to disrupt PTCH2 protein function. In summary, the available evidence is currently insufficient to determine the role of this variant in disease. Therefore, it has been classified as a Variant of Uncertain Significance.